The following is an entry in ClinVar:

NM_001371928.1(AHDC1):c.838C>T (p.Pro280Ser)

Gene: AHDC1 (AT-hook DNA binding motif containing 1; minus strand). Cytogenetic location: 1p36.11.
Variant type: single nucleotide variant.
Coding change: c.838C>T on transcript NM_001371928.1 (MANE Select); coding-DNA position 838, C replaced by T.
Protein change: p.Pro280Ser; replaces proline 280 with serine.
Molecular consequence: missense variant.
Genome position (GRCh38, 1-based): chr1:27,551,278, G>A on the plus strand (C>T on the coding strand, the complement: AHDC1 is on the minus strand). VCF-style: chr1-27551278-G-A. GRCh37 (hg19) VCF-style: chr1-27877789-G-A.
Other names: c.838C>T, p.Pro280Ser (NM_001029882.3); short protein forms P280S.
Identifiers: ClinVar variation 2631354 (VCV002631354.1), dbSNP rs1219726950, ClinGen allele CA339235985.

ClinVar aggregate classification (germline): Uncertain significance (1 of 4 stars; one submission).

Conditions:
AHDC1-related disorder. Also called: AHDC1-related condition.

Allele frequency attached by ClinVar (database versions not stated): gnomAD exomes below 0.00001.

Submission:

PreventionGenetics, part of Exact Sciences
Classification: Uncertain significance for AHDC1-related condition. Last evaluated: 2023-08-16. Review status: criteria provided, single submitter. Criteria: ACMG Guidelines, 2015. Collection method: clinical testing. Allele origin: germline.
Comment: The AHDC1 c.838C>T variant is predicted to result in the amino acid substitution p.Pro280Ser. To our knowledge, this variant has not been reported in the literature or in a large population database, indicating this variant is rare. At this time, the clinical significance of this variant is uncertain due to the absence of conclusive functional and genetic evidence.